The following is an entry in ClinVar:

NM_001371928.1(AHDC1):c.4651G>T (p.Val1551Leu)

Gene: AHDC1 (AT-hook DNA binding motif containing 1; minus strand). Cytogenetic location: 1p36.11.
Variant type: single nucleotide variant.
Coding change: c.4651G>T on transcript NM_001371928.1 (MANE Select); coding-DNA position 4651, G replaced by T.
Protein change: p.Val1551Leu; replaces valine 1551 with leucine.
Molecular consequence: missense variant.
Genome position (GRCh38, 1-based): chr1:27,547,465, C>A on the plus strand (G>T on the coding strand, the complement: AHDC1 is on the minus strand). VCF-style: chr1-27547465-C-A. GRCh37 (hg19) VCF-style: chr1-27873976-C-A.
Other names: c.4651G>T, p.Val1551Leu (NM_001029882.3); short protein forms V1551L.
Identifiers: ClinVar variation 1420809 (VCV001420809.10), dbSNP rs375725827, ClinGen allele CA715310.
Genomic context (GRCh38, chr1:27,547,465, plus strand): 5'-GCATAAAGCCTGGGTACCTGTAGGCGGTGTCCTGCAGGGGCAGCAGCGAGTCCCTCGGCA[C>A]GGGGGACAGGGTCAAGTCACTAAGGAGTGGGCAGCCATAGCCAGCAGCGGCTGCAGCAGG-3'
Protein context (NP_001358857.1, residues 1541-1561): PLLSDLTLSP[Val1551Leu]PRDSLLPLQD

ClinVar aggregate classification (germline): Uncertain significance. Review status: criteria provided, single submitter (1 of 4 stars). 2 submissions from 2 submitters: Uncertain significance (1). 1 of the submissions does not count toward it. Last evaluated 2024-04-16.

Conditions:
AHDC1-related disorder. Also called: AHDC1-related condition.

gnomAD v4.1: 35 of 1,595,126 alleles (0.0022%); highest among the groups gnomAD compares: Non-Finnish European, 0.0028%; no homozygotes.

Submissions (2):

Labcorp Genetics (formerly Invitae), Labcorp
Classification: Uncertain significance. Last evaluated: 2024-04-16. Review status: criteria provided, single submitter. Criteria: Invitae Variant Classification Sherloc (09022015). Collection method: clinical testing. Allele origin: germline.
Comment: This sequence change replaces valine, which is neutral and non-polar, with leucine, which is neutral and non-polar, at codon 1551 of the AHDC1 protein (p.Val1551Leu). This variant is present in population databases (rs375725827, gnomAD 0.007%). This variant has not been reported in the literature in individuals affected with AHDC1-related conditions. ClinVar contains an entry for this variant (Variation ID: 1420809). An algorithm developed to predict the effect of missense changes on protein structure and function (PolyPhen-2) suggests that this variant is likely to be tolerated. In summary, the available evidence is currently insufficient to determine the role of this variant in disease. Therefore, it has been classified as a Variant of Uncertain Significance.

PreventionGenetics, part of Exact Sciences
Classification: Uncertain significance for AHDC1-related condition. Last evaluated: 2024-01-03. Review status: no assertion criteria provided. Collection method: clinical testing. Allele origin: germline. Not counted in ClinVar's aggregate classification.
Comment: The AHDC1 c.4651G>T variant is predicted to result in the amino acid substitution p.Val1551Leu. To our knowledge, this variant has not been reported in the literature. This variant is reported in 0.0064% of alleles in individuals of European (Non-Finnish) descent in gnomAD. At this time, the clinical significance of this variant is uncertain due to the absence of conclusive functional and genetic evidence.